The following is an entry in ClinVar:

ClinVar aggregate classification (germline): Uncertain significance (1 of 4 stars; one submission).

Submission:

Ambry Genetics
Classification: Uncertain significance. Last evaluated: 2025-10-26. Review status: criteria provided, single submitter. Criteria: Ambry Variant Classification Scheme 2023. Collection method: clinical testing. Allele origin: germline.
Comment: The p.S911N variant (also known as c.2732G>A), located in coding exon 24 of the KIF1B gene, results from a G to A substitution at nucleotide position 2732. The serine at codon 911 is replaced by asparagine, an amino acid with highly similar properties. This amino acid position is conserved. In addition, this alteration is predicted to be tolerated by in silico analysis. Since supporting evidence is limited at this time, the clinical significance of this alteration remains unclear.

NM_001365951.3(KIF1B):c.2870G>A (p.Ser957Asn)

Genes: KIF1B (kinesin family member 1B; plus strand), LOC126805614 (BRD4-independent group 4 enhancer GRCh37_chr1:10385546-10386745; plus strand). Cytogenetic location: 1p36.22.
Variant type: single nucleotide variant.
Coding change: c.2870G>A on transcript NM_001365951.3 (MANE Select); coding-DNA position 2870, G replaced by A.
Protein change: p.Ser957Asn; replaces serine 957 with asparagine.
Molecular consequence: missense variant.
Genome position (GRCh38, 1-based): chr1:10,326,305, G>A. VCF-style: chr1-10326305-G-A. GRCh37 (hg19) VCF-style: chr1-10386363-G-A.
Other names: c.2870G>A, p.Ser957Asn (NM_001365952.1); c.2732G>A, p.Ser911Asn (NM_015074.3); short protein forms S911N, S957N.
Identifiers: ClinVar variation 2625745 (VCV002625745.3), dbSNP rs2521641128, ClinGen allele CA338337420.